The following is an entry in ClinVar:

NC_000006.11:g.(?_162475113)_(162864519_?)del

Gene: PRKN (parkin RBR E3 ubiquitin protein ligase; minus strand). Cytogenetic location: 6q26.
Variant type: Deletion.
Identifiers: ClinVar variation 1073296 (VCV001073296.7).

ClinVar aggregate classification (germline): Pathogenic (1 of 4 stars; one submission).

Submission:

Labcorp Genetics (formerly Invitae), Labcorp
Classification: Pathogenic. Last evaluated: 2020-08-20. Review status: criteria provided, single submitter. Criteria: Invitae Variant Classification Sherloc (09022015). Collection method: clinical testing. Allele origin: germline.
Comment: For these reasons, this variant has been classified as Pathogenic. Loss-of-function variants in PRKN are known to be pathogenic (PMID: 10072423, 20301651, 22956510). This variant has been observed in individual(s) with autosomal recessive early-onset Parkinson disease (PMID: 23880019, 26830385). This variant is an out-of-frame deletion of the genomic region encompassing exon(s) 2-5 of the PRKN gene. This is expected to create a premature translational stop signal and result in an absent or disrupted protein product.

Literature cited by the submitters: PubMed 10072423; PubMed 20301651; PubMed 22956510; PubMed 23880019; PubMed 26830385.